The following is an entry in ClinVar:

NM_004320.6(ATP2A1):c.1844G>A (p.Arg615His)

Gene: ATP2A1 (ATPase sarcoplasmic/endoplasmic reticulum Ca2+ transporting 1; plus strand). Cytogenetic location: 16p11.2.
Variant type: single nucleotide variant.
Coding change: c.1844G>A on transcript NM_004320.6 (MANE Select); coding-DNA position 1844, G replaced by A.
Protein change: p.Arg615His; replaces arginine 615 with histidine.
Molecular consequence: missense variant.
Genome position (GRCh38, 1-based): chr16:28,900,660, G>A. VCF-style: chr16-28900660-G-A. GRCh37 (hg19) VCF-style: chr16-28911981-G-A.
Other names: c.1844G>A (NM_173201.4); c.1469G>A, p.Arg490His (NM_001286075.2); c.1844G>A, p.Arg615His (NM_173201.5); short protein forms R490H, R615H.
Identifiers: ClinVar variation 1385054 (VCV001385054.9), dbSNP rs758544349, ClinGen allele CA7987098.
Genomic context (GRCh38, chr16:28,900,660, plus strand): 5'-GTGTAGTGGGCATGCTGGACCCTCCGCGCAAGGAGGTCACGGGCTCCATCCAGCTGTGCC[G>A]TGACGCCGGGATCCGGGTGATCATGATCACTGGGGACAACAAGGGCACAGCCATTGCCAT-3'
Protein context (NP_004311.1, residues 605-625): KEVTGSIQLC[Arg615His]DAGIRVIMIT

ClinVar aggregate classification (germline): Uncertain significance. Review status: criteria provided, multiple submitters, no conflicts (2 of 4 stars). 2 submissions from 2 submitters: Uncertain significance (2). Last evaluated 2024-09-18.

Conditions:
Brody myopathy. Also called: BRODY DISEASE. Identifiers: Orphanet 53347, MedGen C1832918, MONDO:0010977, OMIM 601003.

Allele frequency attached by ClinVar (database versions not stated): TOPMed 0.00001; gnomAD exomes 0.00002; ExAC 0.00003.
gnomAD v4.1: 9 of 1,609,568 alleles (0.00056%); highest among the groups gnomAD compares: South Asian, 0.0033%; no homozygotes.

Submissions (2):

Revvity Omics, Revvity
Classification: Uncertain significance for Brody myopathy. Last evaluated: 2024-09-18. Review status: criteria provided, single submitter. Criteria: ACMG Guidelines, 2015. Collection method: clinical testing. Allele origin: germline.

Labcorp Genetics (formerly Invitae), Labcorp
Classification: Uncertain significance for Brody myopathy. Last evaluated: 2021-07-06. Review status: criteria provided, single submitter. Criteria: Invitae Variant Classification Sherloc (09022015). Collection method: clinical testing. Allele origin: germline.
Comment: This sequence change replaces arginine with histidine at codon 615 of the ATP2A1 protein (p.Arg615His). The arginine residue is highly conserved and there is a small physicochemical difference between arginine and histidine. This variant has not been reported in the literature in individuals affected with ATP2A1-related conditions. This variant is present in population databases (rs758544349, ExAC 0.03%). Algorithms developed to predict the effect of missense changes on protein structure and function are either unavailable or do not agree on the potential impact of this missense change (SIFT: "Deleterious"; PolyPhen-2: "Possibly Damaging"; Align-GVGD: "Class C0"). In summary, the available evidence is currently insufficient to determine the role of this variant in disease. Therefore, it has been classified as a Variant of Uncertain Significance.